The following is an entry in ClinVar:

NM_004006.3(DMD):c.8694G>C (p.Gln2898His)

Gene: DMD (dystrophin; minus strand). Cytogenetic location: Xp21.2.
Variant type: single nucleotide variant.
Coding change: c.8694G>C on transcript NM_004006.3 (MANE Select); coding-DNA position 8694, G replaced by C.
Protein change: p.Gln2898His; replaces glutamine 2898 with histidine.
Molecular consequence: missense variant.
Genome position (GRCh38, 1-based): chrX:31,478,349, C>G on the plus strand (G>C on the coding strand, the complement: DMD is on the minus strand). VCF-style: chrX-31478349-C-G. GRCh37 (hg19) VCF-style: chrX-31496466-C-G.
Other names: c.8670G>C, p.Gln2890His (NM_000109.4); c.8682G>C, p.Gln2894His (NM_004009.3); c.8325G>C, p.Gln2775His (NM_004010.3); c.4671G>C, p.Gln1557His (NM_004011.4); c.4662G>C, p.Gln1554His (NM_004012.4); c.1314G>C, p.Gln438His (NM_004013.3, NM_004020.4, NM_004021.3 and 2 more transcripts); c.507G>C, p.Gln169His (NM_004014.3); short protein forms Q2898H, Q1554H, Q2775H, Q2890H, Q2894H, Q1557H, Q169H, Q438H.
Identifiers: ClinVar variation 2692616 (VCV002692616.3), dbSNP rs1162683398, ClinGen allele CA412654359.

ClinVar aggregate classification (germline): Uncertain significance (1 of 4 stars; one submission).

Conditions:
Duchenne muscular dystrophy (DMD). Also called: MUSCULAR DYSTROPHY, PSEUDOHYPERTROPHIC PROGRESSIVE, DUCHENNE TYPE; Duchenne Muscular Dystrophy (DMD). Identifiers: Orphanet 98896, MedGen C0013264, MONDO:0010679, OMIM 310200.

Submission:

Labcorp Genetics (formerly Invitae), Labcorp
Classification: Uncertain significance for Duchenne muscular dystrophy. Last evaluated: 2023-11-02. Review status: criteria provided, single submitter. Criteria: Invitae Variant Classification Sherloc (09022015). Collection method: clinical testing. Allele origin: germline.
Comment: This sequence change replaces glutamine, which is neutral and polar, with histidine, which is basic and polar, at codon 2898 of the DMD protein (p.Gln2898His). This variant is not present in population databases (gnomAD no frequency). This variant has not been reported in the literature in individuals affected with DMD-related conditions. Advanced modeling of protein sequence and biophysical properties (such as structural, functional, and spatial information, amino acid conservation, physicochemical variation, residue mobility, and thermodynamic stability) performed at Invitae indicates that this missense variant is not expected to disrupt DMD protein function with a negative predictive value of 95%. In summary, the available evidence is currently insufficient to determine the role of this variant in disease. Therefore, it has been classified as a Variant of Uncertain Significance.